The following is an entry in ClinVar:

ClinVar aggregate classification (germline): Likely benign (1 of 4 stars; one submission).

Conditions:
DNMT1-related disorder. Also called: DNMT1-related condition. Identifiers: MedGen CN381527.

gnomAD v4.1: 9 of 1,613,974 alleles (0.00056%); highest among the groups gnomAD compares: South Asian, 0.0033%; no homozygotes.

Submission:

PreventionGenetics, part of Exact Sciences
Classification: Likely benign for DNMT1-related condition. Last evaluated: 2025-08-14. Review status: criteria provided, single submitter. Criteria: ACMG Guidelines, 2015. Collection method: clinical testing. Allele origin: germline.
Comment: This variant is classified as likely benign based on ACMG/AMP sequence variant interpretation guidelines (Richards et al. 2015 PMID: 25741868, with internal and published modifications).

NM_001130823.3(DNMT1):c.2442C>T (p.Cys814=)

Gene: DNMT1 (DNA methyltransferase 1; minus strand). Cytogenetic location: 19p13.2.
Variant type: single nucleotide variant.
Coding change: c.2442C>T on transcript NM_001130823.3 (MANE Select); coding-DNA position 2442, C replaced by T.
Protein change: p.Cys814=; no amino-acid change (cysteine 814 retained).
Molecular consequence: synonymous variant.
Genome position (GRCh38, 1-based): chr19:10,149,597, G>A on the plus strand (C>T on the coding strand, the complement: DNMT1 is on the minus strand). VCF-style: chr19-10149597-G-A. GRCh37 (hg19) VCF-style: chr19-10260273-G-A.
Other names: c.2394C>T, p.Cys798= (NM_001318730.2, NM_001379.4); c.2079C>T, p.Cys693= (NM_001318731.2).
Identifiers: ClinVar variation 4986628 (VCV004986628.1).